The following is an entry in ClinVar:

NM_000440.3(PDE6A):c.475-1G>T

Gene: PDE6A (phosphodiesterase 6A; minus strand). Cytogenetic location: 5q32.
Variant type: single nucleotide variant.
Coding change: c.475-1G>T on transcript NM_000440.3 (MANE Select); the canonical splice acceptor site of the intron before coding-DNA position 475, G replaced by T.
Molecular consequence: splice acceptor variant. On other transcripts: intron variant (1).
Genome position (GRCh38, 1-based): chr5:149,934,719, C>A on the plus strand (G>T on the coding strand, the complement: PDE6A is on the minus strand). VCF-style: chr5-149934719-C-A. GRCh37 (hg19) VCF-style: chr5-149314282-C-A.
Other names: c.475-3551G>T (NM_001410788.1).
Identifiers: ClinVar variation 953314 (VCV000953314.9), dbSNP rs1754135016, ClinGen allele CA361698699.

ClinVar aggregate classification (germline): Likely pathogenic. Review status: criteria provided, multiple submitters, no conflicts (2 of 4 stars). 2 submissions from 2 submitters: Likely pathogenic (2). Last evaluated 2023-08-28.

Conditions:
PDE6A-related disorder. Also called: PDE6A-related condition.

gnomAD v4.1: 1 of 1,613,674 alleles (0.000062%); no homozygotes.

Submissions (2):

Blueprint Genetics
Classification: Likely pathogenic for PDE6A-related disorders. Last evaluated: 2023-08-28. Review status: criteria provided, single submitter. Criteria: ACMG Guidelines, 2015. Collection method: clinical testing. Allele origin: germline. Affected: yes. Observed: 1 variant allele.

Labcorp Genetics (formerly Invitae), Labcorp
Classification: Likely pathogenic. Last evaluated: 2019-09-27. Review status: criteria provided, single submitter. Criteria: Invitae Variant Classification Sherloc (09022015). Collection method: clinical testing. Allele origin: germline.
Comment: This sequence change affects an acceptor splice site in intron 1 of the PDE6A gene. It is expected to disrupt RNA splicing and likely results in an absent or disrupted protein product. In summary, the currently available evidence indicates that the variant is pathogenic, but additional data are needed to prove that conclusively. Therefore, this variant has been classified as Likely Pathogenic. Donor and acceptor splice site variants typically lead to a loss of protein function (PMID: 16199547), and loss-of-function variants in PDE6A are known to be pathogenic (PMID: 7493036, 22128245, 23847139). Algorithms developed to predict the effect of sequence changes on RNA splicing suggest that this variant may disrupt the consensus splice site, but this prediction has not been confirmed by published transcriptional studies. This variant has not been reported in the literature in individuals with PDE6A-related conditions. This variant is not present in population databases (ExAC no frequency).

Literature cited by the submitters: PubMed 16199547 (cited by Labcorp Genetics (formerly Invitae), Labcorp); PubMed 7493036 (cited by Labcorp Genetics (formerly Invitae), Labcorp); PubMed 22128245 (cited by Labcorp Genetics (formerly Invitae), Labcorp); PubMed 23847139 (cited by Labcorp Genetics (formerly Invitae), Labcorp).